The following is an entry in ClinVar:

NM_006922.4(SCN3A):c.1861C>T (p.Arg621Cys)

Gene: SCN3A (sodium voltage-gated channel alpha subunit 3; minus strand). Cytogenetic location: 2q24.3.
Variant type: single nucleotide variant.
Coding change: c.1861C>T on transcript NM_006922.4 (MANE Select); coding-DNA position 1861, C replaced by T.
Protein change: p.Arg621Cys; replaces arginine 621 with cysteine.
Molecular consequence: missense variant.
Genome position (GRCh38, 1-based): chr2:165,140,809, G>A on the plus strand (C>T on the coding strand, the complement: SCN3A is on the minus strand). VCF-style: chr2-165140809-G-A. GRCh37 (hg19) VCF-style: chr2-165997319-G-A.
Other names: c.1861C>T, p.Arg621Cys (NM_001081676.2, NM_001081677.2); short protein forms R621C.
Identifiers: ClinVar variation 1204728 (VCV001204728.7), dbSNP rs1416035110, ClinGen allele CA349046498.

ClinVar aggregate classification (germline): Uncertain significance. Review status: criteria provided, multiple submitters, no conflicts (2 of 4 stars). 2 submissions from 2 submitters: Uncertain significance (2). Last evaluated 2026-02-05.

Allele frequency attached by ClinVar (database versions not stated): gnomAD 0.00001; TOPMed 0.00001.
gnomAD v4.1: 7 of 1,614,106 alleles (0.00043%); highest among the groups gnomAD compares: African/African-American, 0.0013%; no homozygotes.

Submissions (2):

GeneDx
Classification: Uncertain significance. Last evaluated: 2026-02-05. Review status: criteria provided, single submitter. Criteria: GeneDx Variant Classification Process June 2021. Collection method: clinical testing. Allele origin: germline. Affected: yes.
Comment: Not observed at significant frequency in large population cohorts (gnomAD); In silico analysis supports that this missense variant has a deleterious effect on protein structure/function; This variant is associated with the following publications: (PMID: 32090326, 33841294, 28074849)

Labcorp Genetics (formerly Invitae), Labcorp
Classification: Uncertain significance. Last evaluated: 2025-05-01. Review status: criteria provided, single submitter. Criteria: Invitae Variant Classification Sherloc (09022015). Collection method: clinical testing. Allele origin: germline.
Comment: This sequence change replaces arginine, which is basic and polar, with cysteine, which is neutral and slightly polar, at codon 621 of the SCN3A protein (p.Arg621Cys). This variant is not present in population databases (gnomAD no frequency). This missense change has been observed in individual(s) with febrile seizures (PMID: 28074849). ClinVar contains an entry for this variant (Variation ID: 1204728). Invitae Evidence Modeling of protein sequence and biophysical properties (such as structural, functional, and spatial information, amino acid conservation, physicochemical variation, residue mobility, and thermodynamic stability) has been performed for this missense variant. However, the output from this modeling did not meet the statistical confidence thresholds required to predict the impact of this variant on SCN3A protein function. In summary, the available evidence is currently insufficient to determine the role of this variant in disease. Therefore, it has been classified as a Variant of Uncertain Significance.

Literature cited by the submitters: PubMed 28074849 (cited by Labcorp Genetics (formerly Invitae), Labcorp).